The following is an entry in ClinVar:

NM_003190.5(TAPBP):c.245A>G (p.Tyr82Cys)

Gene: TAPBP (TAP binding protein; minus strand). Cytogenetic location: 6p21.32.
Variant type: single nucleotide variant.
Coding change: c.245A>G on transcript NM_003190.5 (MANE Select); coding-DNA position 245, A replaced by G.
Protein change: p.Tyr82Cys; replaces tyrosine 82 with cysteine.
Molecular consequence: missense variant. On other transcripts: intron variant (1).
Genome position (GRCh38, 1-based): chr6:33,313,441, T>C on the plus strand (A>G on the coding strand, the complement: TAPBP is on the minus strand). VCF-style: chr6-33313441-T-C. GRCh37 (hg19) VCF-style: chr6-33281218-T-C.
Other names: c.245A>G, p.Tyr82Cys (NM_172208.3); c.208+253A>G (NM_172209.3); short protein forms Y82C.
Identifiers: ClinVar variation 854096 (VCV000854096.9), dbSNP rs1234932432, ClinGen allele CA363621364.

ClinVar aggregate classification (germline): Uncertain significance (1 of 4 stars; one submission).

Conditions:
MHC class I deficiency. Identifiers: Orphanet 34592, MedGen C6024714, MONDO:0011476.

Allele frequency attached by ClinVar (database versions not stated): gnomAD exomes below 0.00001.
gnomAD v4.1: 2 of 1,595,774 alleles (0.00013%); highest among the groups gnomAD compares: Admixed American, 0.0034%; no homozygotes.

Submission:

Labcorp Genetics (formerly Invitae), Labcorp
Classification: Uncertain significance for MHC class I deficiency 1. Last evaluated: 2025-08-23. Review status: criteria provided, single submitter. Criteria: Invitae Variant Classification Sherloc (09022015). Collection method: clinical testing. Allele origin: germline.
Comment: This sequence change replaces tyrosine, which is neutral and polar, with cysteine, which is neutral and slightly polar, at codon 82 of the TAPBP protein (p.Tyr82Cys). This variant is not present in population databases (gnomAD no frequency). This variant has not been reported in the literature in individuals affected with TAPBP-related conditions. ClinVar contains an entry for this variant (Variation ID: 854096). An algorithm developed to predict the effect of missense changes on protein structure and function (PolyPhen-2) suggests that this variant is likely to be disruptive. In summary, the available evidence is currently insufficient to determine the role of this variant in disease. Therefore, it has been classified as a Variant of Uncertain Significance.